The following continues an entry in ClinVar:

NM_000059.4(BRCA2):c.-11C>T

Gene: BRCA2. ClinVar aggregate classification (germline): Benign. Benign (1).

Submissions 24 to 32 of 32:

Women's Health and Genetics/Laboratory Corporation of America, LabCorp
Classification: Benign for Hereditary breast ovarian cancer syndrome. Last evaluated: 2014-04-15. Review status: criteria provided, single submitter. Criteria: LabCorp Variant Classification Summary - May 2015. Collection method: clinical testing. Allele origin: germline. Not counted in ClinVar's aggregate classification.

Breakthrough Genomics
Classification: Benign. Review status: criteria provided, single submitter. Criteria: ACMG Guidelines, 2015. Collection method: not provided. Allele origin: germline. Inheritance: Autosomal recessive inheritance. Affected: yes. Not counted in ClinVar's aggregate classification.

BRCAlab, Lund University
Classification: Benign for Breast-ovarian cancer, familial, susceptibility to, 2. Last evaluated: 2020-03-02. Review status: no assertion criteria provided. Collection method: clinical testing. Allele origin: germline. Affected: yes. Not counted in ClinVar's aggregate classification.

Counsyl
Classification: Benign for Breast-ovarian cancer, familial 2. Last evaluated: 2014-05-12. Review status: no assertion criteria provided. Collection method: literature only. Allele origin: unknown. Inheritance: Autosomal dominant inheritance. Not counted in ClinVar's aggregate classification.

Breast Cancer Information Core (BIC) (BRCA2)
Classification: Uncertain significance for Breast-ovarian cancer, familial 2. Last evaluated: 2002-05-29. Review status: no assertion criteria provided. Collection method: clinical testing. Allele origin: germline. Affected: yes. Observed: 48 variant alleles. Not counted in ClinVar's aggregate classification.

Clinical Genetics Laboratory, Department of Pathology, Netherlands Cancer Institute
Classification: Benign. Review status: no assertion criteria provided. Collection method: clinical testing. Allele origin: germline. Affected: yes. Study: VKGL Data-share Consensus. Not counted in ClinVar's aggregate classification.

Department of Pathology and Laboratory Medicine, Sinai Health System
Classification: Benign for Malignant tumor of breast. Review status: no assertion criteria provided. Collection method: clinical testing. Allele origin: unknown. Affected: yes. Study: The Canadian Open Genetics Repository (COGR). Not counted in ClinVar's aggregate classification.
Comment: The c.-11C>T variant was identified in the literature in 8/5532 proband chromosomes in individuals with breast cancer, and was absent in 148 control chromosomes evaluated (Borg_2010_20104584, Diez_2003_12955716, Fackenthal_2005_15744044). The variant is located in the 5â€šÃ„Ã´ untranslated region (promoter) and is not part of a splicing consensus sequence. It is possible that this variant may influence the binding of transcription factors and expression or processing of the BRCA2 mRNA transcript. The c.-11C>T variant was also identified in dbSNP (ID#:rs76874770), the BIC database (48X with unknown clinical significance), and in UMD (22X as an unclassified variant). In the UMD database, the variant was observed to co-occur with another BRCA2 pathogenic mutation (c.6159delT (p.Ala2054LeufsX16)) increasing the likelihood that this variant may not have clinical significance. The variant was listed in the 1000 Genomes Project with a frequency 0.005, and in the NHLBI Exome Sequencing Project with a frequency of 0.02 in African American alleles, increasing the likelihood that this may be a benign variant in certain populations of origin. In summary, based on the above information, this variant meets our laboratory's criteria to be classified as benign.

Diagnostic Laboratory, Department of Genetics, University Medical Center Groningen
Classification: Benign for Breast-ovarian cancer, familial, susceptibility to, 2. Review status: no assertion criteria provided. Collection method: clinical testing. Allele origin: germline. Affected: yes. Study: VKGL Data-share Consensus. Not counted in ClinVar's aggregate classification.

Joint Genome Diagnostic Labs from Nijmegen and Maastricht, Radboudumc and MUMC+
Classification: Benign. Review status: no assertion criteria provided. Collection method: clinical testing. Allele origin: germline. Affected: yes. Study: VKGL Data-share Consensus. Not counted in ClinVar's aggregate classification.

Literature cited by the submitters: DOI 10.3389/fgene.2022.834265 (cited by National Health Laboratory Service, Universitas Academic Hospital and University of the Free State); PubMed 36329109 (cited by Genetics Program, Instituto Nacional de Cancer); PubMed 20104584 (cited by Women's Health and Genetics/Laboratory Corporation of America, LabCorp and Counsyl); PubMed 12955716 (cited by Women's Health and Genetics/Laboratory Corporation of America, LabCorp); PubMed 22505045 (cited by Women's Health and Genetics/Laboratory Corporation of America, LabCorp and Counsyl); PubMed 21120943 (cited by Women's Health and Genetics/Laboratory Corporation of America, LabCorp); PubMed 12942367 (cited by Women's Health and Genetics/Laboratory Corporation of America, LabCorp); PubMed 22874498 (cited by Counsyl).